The following is an entry in ClinVar:

NM_000435.3(NOTCH3):c.6569C>T (p.Ala2190Val)

Gene: NOTCH3 (notch receptor 3; minus strand). Cytogenetic location: 19p13.12.
Variant type: single nucleotide variant.
Coding change: c.6569C>T on transcript NM_000435.3 (MANE Select); coding-DNA position 6569, C replaced by T.
Protein change: p.Ala2190Val; replaces alanine 2190 with valine.
Molecular consequence: missense variant.
Genome position (GRCh38, 1-based): chr19:15,161,059, G>A on the plus strand (C>T on the coding strand, the complement: NOTCH3 is on the minus strand). VCF-style: chr19-15161059-G-A. GRCh37 (hg19) VCF-style: chr19-15271870-G-A.
Other names: p.Ala2190Val; short protein forms A2190V.
Identifiers: ClinVar variation 803537 (VCV000803537.23), dbSNP rs528151296, ClinGen allele CA9262354.
Genomic context (GRCh38, chr19:15,161,059, plus strand): 5'-GGCGGGGGCCGCTCCTGCGGGGAGACGGGGGTCCCTGGGTTGAGCAGCTGGGGTCCCGGC[G>A]CCAGTGGCAGCAGGAACGAGGGGCCTGGAGGGGCAGGTGGGGGCAGCCGGGCCCAATCGA-3'
Protein context (NP_000426.2, residues 2180-2200): PPGPSFLLPL[Ala2190Val]PGPQLLNPGT

ClinVar aggregate classification (germline): Conflicting classifications of pathogenicity. Review status: criteria provided, conflicting classifications (1 of 4 stars). 5 submissions from 5 submitters: Uncertain significance (1); Benign (1); Likely benign (3). Last evaluated 2025-09-05.

Conditions:
Cerebral arteriopathy, autosomal dominant, with subcortical infarcts and leukoencephalopathy, type 1 (CADASIL1). Also called: DEMENTIA, HEREDITARY MULTIINFARCT TYPE; CASIL; Cerebral arteriopathy with subcortical infarcts and leukoencephalopathy 1; CADASIL 1. Identifiers: Orphanet 136, MedGen C4551768, MONDO:0000914, OMIM 125310.

Allele frequency attached by ClinVar (database versions not stated): gnomAD 0.00009 and 0.00010; gnomAD exomes 0.00010 and 0.00011; ExAC 0.00015; 1000 Genomes Project 30x 0.00016; TOPMed 0.00016; 1000 Genomes Project 0.00020.
gnomAD v4.1: 170 of 1,539,730 alleles (0.011%); highest among the groups gnomAD compares: African/African-American, 0.018%; no homozygotes.

Submissions (5):

Mayo Clinic Laboratories, Mayo Clinic
Classification: Uncertain significance. Last evaluated: 2025-09-05. Review status: criteria provided, single submitter. Criteria: ACMG Guidelines, 2015. Collection method: clinical testing. Allele origin: germline. Observed: 1 variant allele.
Comment: BP1, PP2

Labcorp Genetics (formerly Invitae), Labcorp
Classification: Likely benign. Last evaluated: 2024-10-16. Review status: criteria provided, single submitter. Criteria: Invitae Variant Classification Sherloc (09022015). Collection method: clinical testing. Allele origin: germline.

CeGaT Center for Human Genetics Tuebingen
Classification: Likely benign. Last evaluated: 2024-08-01. Review status: criteria provided, single submitter. Criteria: CeGaT Center For Human Genetics Tuebingen Variant Classification Criteria Version 2. Collection method: clinical testing. Allele origin: germline. Affected: yes. Observed: 1 variant allele.
Comment: NOTCH3: BP4, BS2

Blueprint Genetics
Classification: Likely benign. Last evaluated: 2023-03-30. Review status: criteria provided, single submitter. Criteria: ACMG Guidelines, 2015. Collection method: clinical testing. Allele origin: germline.

Mendelics
Classification: Benign for Cerebral arteriopathy, autosomal dominant, with subcortical infarcts and leukoencephalopathy, type 1. Last evaluated: 2019-05-28. Review status: criteria provided, single submitter. Criteria: Mendelics Assertion Criteria 2017. Collection method: clinical testing. Allele origin: unknown.

Literature cited by the submitters: PubMed 22006983 (cited by Mayo Clinic Laboratories, Mayo Clinic).